The following is an entry in ClinVar:

NM_000551.4(VHL):c.245G>C (p.Arg82Pro)

Gene: VHL (von Hippel-Lindau tumor suppressor; plus strand). Cytogenetic location: 3p25.3.
Variant type: single nucleotide variant.
Coding change: c.245G>C on transcript NM_000551.4 (MANE Select); coding-DNA position 245, G replaced by C.
Protein change: p.Arg82Pro; replaces arginine 82 with proline.
Molecular consequence: missense variant.
Genome position (GRCh38, 1-based): chr3:10,142,092, G>C. VCF-style: chr3-10142092-G-C. GRCh37 (hg19) VCF-style: chr3-10183776-G-C.
Other names: c.245G>C, p.Arg82Pro (NM_001354723.2, NM_198156.3); short protein forms R82P.
Identifiers: ClinVar variation 193118 (VCV000193118.7), dbSNP rs794726890, ClinGen allele CA020159.
Genomic context (GRCh38, chr3:10,142,092, plus strand): 5'-TGCTGCGCTCGGTGAACTCGCGCGAGCCCTCCCAGGTCATCTTCTGCAATCGCAGTCCGC[G>C]CGTCGTGCTGCCCGTATGGCTCAACTTCGACGGCGAGCCGCAGCCCTACCCAACGCTGCC-3'
Protein context (NP_000542.1, residues 72-92): SQVIFCNRSP[Arg82Pro]VVLPVWLNFD

ClinVar aggregate classification (germline): Pathogenic. Review status: criteria provided, multiple submitters, no conflicts (2 of 4 stars). 3 submissions from 3 submitters: Pathogenic (3). Last evaluated 2019-02-14.

Conditions:
Von Hippel-Lindau syndrome (VHLS). Also called: Von Hippel-Lindau; von Hippel–Lindau syndrome; VHL syndrome. Identifiers: Orphanet 892, MedGen C0019562, MONDO:0008667, OMIM 193300. Disease mechanism: loss of function.

Submissions (3):

Women's Health and Genetics/Laboratory Corporation of America, LabCorp
Classification: Pathogenic for Von Hippel-Lindau syndrome. Last evaluated: 2019-02-14. Review status: criteria provided, single submitter. Criteria: LabCorp Variant Classification Summary - May 2015. Collection method: clinical testing. Allele origin: germline.
Comment: Variant summary: The variant, VHL c.245G>C (p.Arg82Pro) results in a non-conservative amino acid change located in the von Hippel-Lindau disease tumor suppressor, beta/alpha domain and von Hippel-Lindau disease tumor suppressor, beta domain of the encoded protein sequence. Five of five in-silico tools predict a damaging effect of the variant on protein function. The variant was absent in 227066 control chromosomes (gnomAD) and has been reported in the literature in multiple individuals affected with Von Hippel-Lindau Syndrome (Dollfus_2002, Gallou_2004, Chacon-Camacho_2010, Peng_2017). These data indicate that the variant is very likely to be associated with disease. Publications that report experimental evidence evaluating an impact on protein function (Li_2002, German_2016), do not allow convincing conclusions about the variant effect. No clinical diagnostic laboratories have submitted clinical-significance assessments for this variant to ClinVar after 2014. Based on the evidence outlined above, the variant was classified as pathogenic.

Genomic Diagnostic Laboratory, Division of Genomic Diagnostics, Children's Hospital of Philadelphia
Classification: Pathogenic for von Hippel-Lindau syndrome. Last evaluated: 2018-08-01. Review status: criteria provided, single submitter. Criteria: DGD Variant Analysis Guidelines. Collection method: clinical testing. Allele origin: germline. Affected: yes. Observed: 1 variant allele.

Eurofins Ntd Llc (ga)
Classification: Pathogenic. Last evaluated: 2014-12-02. Review status: criteria provided, single submitter. Criteria: EGL Classification Definitions 2015. Collection method: clinical testing. Allele origin: germline. Observed: 1 variant allele, 1 heterozygote.

Literature cited by the submitters: PubMed 12202531 (cited by Women's Health and Genetics/Laboratory Corporation of America, LabCorp and Eurofins Ntd Llc (ga)); PubMed 15300849 (cited by Women's Health and Genetics/Laboratory Corporation of America, LabCorp); PubMed 20447124 (cited by Women's Health and Genetics/Laboratory Corporation of America, LabCorp and Eurofins Ntd Llc (ga)); PubMed 12056827 (cited by Women's Health and Genetics/Laboratory Corporation of America, LabCorp); PubMed 28388566 (cited by Women's Health and Genetics/Laboratory Corporation of America, LabCorp); PubMed 26973240 (cited by Women's Health and Genetics/Laboratory Corporation of America, LabCorp); PubMed 10823831 (cited by Eurofins Ntd Llc (ga)).